The following is an entry in ClinVar:

ClinVar aggregate classification (germline): Pathogenic (1 of 4 stars; one submission).

Conditions:
Hereditary cancer-predisposing syndrome. Also called: Neoplastic Syndromes, Hereditary; Tumor predisposition; Hereditary neoplastic syndrome; Hereditary Cancer Syndrome. Identifiers: Orphanet 140162, MedGen C0027672, MeSH D009386, MONDO:0015356.

Submission:

Ambry Genetics
Classification: Pathogenic for Hereditary cancer-predisposing syndrome. Last evaluated: 2024-04-24. Review status: criteria provided, single submitter. Criteria: Ambry Variant Classification Scheme 2023. Collection method: clinical testing. Allele origin: germline.
Comment: The c.1168delGinsTTC pathogenic mutation, located in coding exon 10 of the POT1 gene, results from the deletion of one nucleotide and insertion of 3 nucleotides causing a translational frameshift with a predicted alternate stop codon (p.E390Ffs*11). This alteration is expected to result in loss of function by premature protein truncation or nonsense-mediated mRNA decay. This variant is considered to be rare based on population cohorts in the Genome Aggregation Database (gnomAD). As such, this alteration is interpreted as a disease-causing mutation.

NM_015450.3(POT1):c.1168delinsTTC (p.Glu390fs)

Gene: POT1 (protection of telomeres 1; minus strand). Cytogenetic location: 7q31.33.
Variant type: Indel.
Coding change: c.1168delinsTTC on transcript NM_015450.3 (MANE Select); coding-DNA position 1168, G replaced by TTC.
Protein change: p.Glu390fs; shifts the reading frame from glutamic acid 390.
Molecular consequence: frameshift variant. On other transcripts: non-coding transcript variant (3).
Genome position (GRCh38, 1-based): chr7:124,841,174, C replaced by GAA on the plus strand (G replaced by TTC on the coding strand, the reverse complement: POT1 is on the minus strand). VCF-style: chr7-124841174-C-GAA. GRCh37 (hg19) VCF-style: chr7-124481228-C-GAA.
Other names: c.775delinsTTC, p.Glu259fs (NM_001042594.2); short protein forms E259fs, E390fs.
Identifiers: ClinVar variation 3308951 (VCV003308951.1).